The following is an entry in ClinVar:

ClinVar aggregate classification (germline): Likely pathogenic (1 of 4 stars; one submission).

Conditions:
Carnitine palmitoyltransferase II deficiency. Also called: Carnitine Palmitoyltransferase 2 Deficiency. Identifiers: Orphanet 157, MedGen C0342790, MONDO:0015515.

Submission:

Natera, Inc.
Classification: Likely pathogenic for Carnitine palmitoyltransferase II deficiency. Last evaluated: 2025-06-23. Review status: criteria provided, single submitter. Criteria: Natera Variant Classification Schema (03/2026). Collection method: clinical testing. Allele origin: germline.
Comment: The c.1642_1645+1dupATGGG variant in CPT2 is a canonical splice donor site variant predicted to affect pre-mRNA splicing, which may result in an abnormal transcript and altered protein product. This variant is expected to result in nonsense mediated decay, truncation, or a dysfunctional protein product. This variant is rare in the general population with a frequency below the threshold expected for the associated phenotype(s). Given the available evidence, this variant is classified as Likely Pathogenic.

NM_000098.3(CPT2):c.1642_1645+1dup

Gene: CPT2 (carnitine palmitoyltransferase 2; plus strand). Cytogenetic location: 1p32.3.
Variant type: Duplication.
Coding change: c.1642_1645+1dup on transcript NM_000098.3 (MANE Select); coding-DNA position 1642 through the canonical splice donor site of the intron after coding-DNA position 1645, 5 bases duplicated (ATGGG; older notation c.1642_1645+1dupATGGG).
Molecular consequence: splice donor variant. On other transcripts: intron variant (1).
Genome position (GRCh38, 1-based): chr1:53,211,316-53,211,320, ATGGG duplicated. VCF-style (leftmost placement, unchanged base first): chr1-53211315-A-AATGGG. GRCh37 (hg19) VCF-style: chr1-53676987-A-AATGGG.
Other names: c.1576+66_1576+70dup (NM_001330589.2).
Identifiers: ClinVar variation 4817416 (VCV004817416.1).